The following is an entry in ClinVar:

NM_173495.3(PTCHD1):c.475G>A (p.Glu159Lys)

Gene: PTCHD1 (patched domain containing 1; plus strand). Cytogenetic location: Xp22.11.
Variant type: single nucleotide variant.
Coding change: c.475G>A on transcript NM_173495.3 (MANE Select); coding-DNA position 475, G replaced by A.
Protein change: p.Glu159Lys; replaces glutamic acid 159 with lysine.
Molecular consequence: missense variant.
Genome position (GRCh38, 1-based): chrX:23,379,714, G>A. VCF-style: chrX-23379714-G-A. GRCh37 (hg19) VCF-style: chrX-23397831-G-A.
Other names: short protein forms E159K.
Identifiers: ClinVar variation 2580202 (VCV002580202.1), dbSNP rs2518759702, ClinGen allele CA412579804.

ClinVar aggregate classification (germline): Uncertain significance (1 of 4 stars; one submission).

Conditions:
PTCHD1-related neurodevelopmental disorder.

Submission:

Illumina Laboratory Services, Illumina
Classification: Uncertain significance for PTCHD1-related neurodevelopmental disorder. Last evaluated: 2023-05-03. Review status: criteria provided, single submitter. Criteria: ICSLVariantClassificationCriteria RUGD 01 April 2020. Collection method: clinical testing. Allele origin: unknown.
Comment: The PTCHD1 c.475G>A (p.Glu159Lys) missense variant has not, to our knowledge, been reported in the peer-reviewed literature. This variant is not observed in version 2.1.1 or version 3.1.2 of the Genome Aggregation Database. Multiple lines of computational evidence suggest the variant may impact the gene or gene product. Based on the available evidence, the c.475G>A (p.Glu159Lys) variant is classified as a variant of uncertain significance for PTCHD1-related neurodevelopmental disorder.